The following is an entry in ClinVar:

ClinVar aggregate classification (germline): Uncertain significance (1 of 4 stars; one submission).

Conditions:
Hereditary nonpolyposis colorectal neoplasms. Identifiers: MedGen C0009405, MeSH D003123.

Allele frequency attached by ClinVar (database versions not stated): TOPMed below 0.00001.

Submission:

Labcorp Genetics (formerly Invitae), Labcorp
Classification: Uncertain significance for Hereditary nonpolyposis colorectal neoplasms. Last evaluated: 2023-08-16. Review status: criteria provided, single submitter. Criteria: Invitae Variant Classification Sherloc (09022015). Collection method: clinical testing. Allele origin: germline.
Comment: In summary, the available evidence is currently insufficient to determine the role of this variant in disease. Therefore, it has been classified as a Variant of Uncertain Significance. Advanced modeling of protein sequence and biophysical properties (such as structural, functional, and spatial information, amino acid conservation, physicochemical variation, residue mobility, and thermodynamic stability) performed at Invitae indicates that this missense variant is not expected to disrupt PMS2 protein function. This variant has not been reported in the literature in individuals affected with PMS2-related conditions. This variant is not present in population databases (gnomAD no frequency). This sequence change replaces valine, which is neutral and non-polar, with alanine, which is neutral and non-polar, at codon 607 of the PMS2 protein (p.Val607Ala).

NM_000535.7(PMS2):c.1820T>C (p.Val607Ala)

Gene: PMS2 (PMS1 homolog 2, mismatch repair system component; minus strand). Cytogenetic location: 7p22.1.
Variant type: single nucleotide variant.
Coding change: c.1820T>C on transcript NM_000535.7 (MANE Select); coding-DNA position 1820, T replaced by C.
Protein change: p.Val607Ala; replaces valine 607 with alanine.
Molecular consequence: missense variant. On other transcripts: non-coding transcript variant (1), intron variant (1).
Genome position (GRCh38, 1-based): chr7:5,986,945, A>G on the plus strand (T>C on the coding strand, the complement: PMS2 is on the minus strand). VCF-style: chr7-5986945-A-G. GRCh37 (hg19) VCF-style: chr7-6026576-A-G.
Other names: c.1502T>C, p.Val501Ala (NM_001406876.1, NM_001406883.1, NM_001406903.1 and 2 more transcripts); c.1511T>C, p.Val504Ala (NM_001406877.1, NM_001406878.1, NM_001406879.1 and 5 more transcripts); c.1496T>C, p.Val499Ala (NM_001406884.1); c.1484T>C, p.Val495Ala (NM_001406885.1); c.1415T>C, p.Val472Ala (NM_001406895.1, NM_001406896.1, NM_001406897.1 and 17 more transcripts); c.1355T>C, p.Val452Ala (NM_001406900.1); c.1346T>C, p.Val449Ala (NM_001406901.1, NM_001406902.1); c.1307T>C, p.Val436Ala (NM_001406904.1, NM_001406905.1); and 13 more; short protein forms V436A, V551A, V669A, V449A, V485A, V495A, V499A, V501A.
Identifiers: ClinVar variation 2753076 (VCV002753076.3), dbSNP rs1782969949, ClinGen allele CA366739711.